The following is an entry in ClinVar:

NC_000001.10:g.(?_861322)_(861413_?)dup

Gene: SAMD11 (sterile alpha motif domain containing 11; plus strand). Cytogenetic location: 1p36.33.
Variant type: Duplication.
Identifiers: ClinVar variation 1004702 (VCV001004702.6).

ClinVar aggregate classification (germline): Uncertain significance (1 of 4 stars; one submission).

Submission:

Labcorp Genetics (formerly Invitae), Labcorp
Classification: Uncertain significance. Last evaluated: 2024-01-24. Review status: criteria provided, single submitter. Criteria: Invitae Variant Classification Sherloc (09022015). Collection method: clinical testing. Allele origin: germline.
Comment: This variant results in a copy number gain of the genomic region encompassing exon(s) 2 of the SAMD11 gene. This region includes the initiator codon of the gene. This copy number gain extends beyond the assayed region for this gene and therefore may encompass additional genes. As the precise location of this event is unknown, it may be in tandem or it may be located elsewhere in the genome. This variant has not been reported in the literature in individuals affected with SAMD11-related conditions. In summary, the available evidence is currently insufficient to determine the role of this variant in disease. Therefore, it has been classified as a Variant of Uncertain Significance.